The following is an entry in ClinVar:

ClinVar aggregate classification (germline): Uncertain significance (1 of 4 stars; one submission).

Conditions:
Hereditary cancer-predisposing syndrome. Also called: Hereditary Cancer Syndrome; Tumor predisposition; Hereditary neoplastic syndrome; Neoplastic Syndromes, Hereditary. Identifiers: Orphanet 140162, MedGen C0027672, MeSH D009386, MONDO:0015356.

Submission:

Ambry Genetics
Classification: Uncertain significance for Hereditary cancer-predisposing syndrome. Last evaluated: 2024-11-21. Review status: criteria provided, single submitter. Criteria: Ambry Variant Classification Scheme 2023. Collection method: clinical testing. Allele origin: germline.
Comment: The p.C1379R variant (also known as c.4135T>C), located in coding exon 20 of the MET gene, results from a T to C substitution at nucleotide position 4135. The cysteine at codon 1379 is replaced by arginine, an amino acid with highly dissimilar properties. This amino acid position is conserved. In addition, the in silico prediction for this alteration is inconclusive. Based on the available evidence, the clinical significance of this variant remains unclear.

NM_000245.4(MET):c.4081T>C (p.Cys1361Arg)

Gene: MET (MET proto-oncogene, receptor tyrosine kinase; plus strand). Cytogenetic location: 7q31.2.
Variant type: single nucleotide variant.
Coding change: c.4081T>C on transcript NM_000245.4 (MANE Select); coding-DNA position 4081, T replaced by C.
Protein change: p.Cys1361Arg; replaces cysteine 1361 with arginine.
Molecular consequence: missense variant.
Genome position (GRCh38, 1-based): chr7:116,796,032, T>C. VCF-style: chr7-116796032-T-C. GRCh37 (hg19) VCF-style: chr7-116436086-T-C.
Other names: c.4135T>C, p.Cys1379Arg (NM_001127500.3); c.2791T>C, p.Cys931Arg (NM_001324402.2); short protein forms C931R, C1361R, C1379R.
Identifiers: ClinVar variation 3395097 (VCV003395097.1).
Genomic context (GRCh38, chr7:116,796,032, plus strand): 5'-TTCTCTACTTTCATTGGGGAGCACTATGTCCATGTGAACGCTACTTATGTGAACGTAAAA[T>C]GTGTCGCTCCGTATCCTTCTCTGTTGTCATCAGAAGATAACGCTGATGATGAGGTGGACA-3'
Protein context (NP_000236.2, residues 1351-1371): HVNATYVNVK[Cys1361Arg]VAPYPSLLSS